The following is an entry in ClinVar:

ClinVar aggregate classification (germline): Pathogenic (1 of 4 stars; one submission).

Submission:

GeneDx
Classification: Pathogenic. Last evaluated: 2024-10-25. Review status: criteria provided, single submitter. Criteria: GeneDx Variant Classification Process June 2021. Collection method: clinical testing. Allele origin: germline. Affected: yes.
Comment: Not observed at significant frequency in large population cohorts (gnomAD); In silico analysis supports that this missense variant has a deleterious effect on protein structure/function; Has not been previously published as pathogenic or benign to our knowledge

NM_007279.3(U2AF2):c.587A>C (p.Asn196Thr)

Gene: U2AF2 (U2 small nuclear RNA auxiliary factor 2; plus strand). Cytogenetic location: 19q13.42.
Variant type: single nucleotide variant.
Coding change: c.587A>C on transcript NM_007279.3 (MANE Select); coding-DNA position 587, A replaced by C.
Protein change: p.Asn196Thr; replaces asparagine 196 with threonine.
Molecular consequence: missense variant.
Genome position (GRCh38, 1-based): chr19:55,662,602, A>C. VCF-style: chr19-55662602-A-C. GRCh37 (hg19) VCF-style: chr19-56173968-A-C.
Other names: c.587A>C, p.Asn196Thr (NM_001012478.2); short protein forms N196T.
Identifiers: ClinVar variation 3893333 (VCV003893333.1).